The following is an entry in ClinVar:

ClinVar aggregate classification (germline): Uncertain significance (1 of 4 stars; one submission).

Conditions:
Charcot-Marie-Tooth disease dominant intermediate F. Identifiers: Orphanet 352670, MedGen C4749463, MONDO:0014074, OMIM 615185.

Submission:

Labcorp Genetics (formerly Invitae), Labcorp
Classification: Uncertain significance for Charcot-Marie-Tooth disease dominant intermediate F. Last evaluated: 2018-12-26. Review status: criteria provided, single submitter. Criteria: Invitae Variant Classification Sherloc (09022015). Collection method: clinical testing. Allele origin: germline.
Comment: This sequence change results in a premature translational stop signal in the GNB4 gene (p.Asn313Lysfs*9). While this is not anticipated to result in nonsense mediated decay, it is expected to disrupt the last 28 amino acids of the GNB4 protein. This variant is not present in population databases (ExAC no frequency). This variant has not been reported in the literature in individuals with GNB4-related disease. Algorithms developed to predict the effect of sequence changes on RNA splicing suggest that this variant may create or strengthen a splice site, but this prediction has not been confirmed by published transcriptional studies. The current clinical and genetic evidence is not sufficient to establish whether loss-of-function variants in GNB4 cause disease. In summary, the available evidence is currently insufficient to determine the role of this variant in disease. Therefore, it has been classified as a Variant of Uncertain Significance.

NM_021629.4(GNB4):c.939_940del (p.Asn313fs)

Gene: GNB4 (G protein subunit beta 4; minus strand). Cytogenetic location: 3q26.33.
Variant type: Deletion.
Coding change: c.939_940del on transcript NM_021629.4 (MANE Select); coding-DNA positions 939 to 940, 2 bases deleted (CC; older notation c.939_940delCC).
Protein change: p.Asn313fs; shifts the reading frame from asparagine 313.
Molecular consequence: frameshift variant.
Genome position (GRCh38, 1-based): chr3:179,401,296-179,401,297, GG deleted on the plus strand (CC on the coding strand, the reverse complement: GNB4 is on the minus strand). VCF-style (leftmost placement, unchanged base first): chr3-179401295-CGG-C. GRCh37 (hg19) VCF-style: chr3-179119083-CGG-C.
Other names: short protein forms N313fs.
Identifiers: ClinVar variation 582389 (VCV000582389.7), dbSNP rs1560208074, ClinGen allele CA891842949.